The following is an entry in ClinVar:

NM_001040142.2(SCN2A):c.1301C>A (p.Ala434Asp)

Gene: SCN2A (sodium voltage-gated channel alpha subunit 2; plus strand). Cytogenetic location: 2q24.3.
Variant type: single nucleotide variant.
Coding change: c.1301C>A on transcript NM_001040142.2 (MANE Select); coding-DNA position 1301, C replaced by A.
Protein change: p.Ala434Asp; replaces alanine 434 with aspartic acid.
Molecular consequence: missense variant.
Genome position (GRCh38, 1-based): chr2:165,314,026, C>A. VCF-style: chr2-165314026-C-A. GRCh37 (hg19) VCF-style: chr2-166170536-C-A.
Other names: c.1301C>A, p.Ala434Asp (NM_001040143.2, NM_001371246.1, NM_001371247.1 and 1 more transcripts); short protein forms A434D.
Identifiers: ClinVar variation 2928081 (VCV002928081.3), dbSNP rs2467902839, ClinGen allele CA349022325.

ClinVar aggregate classification (germline): Uncertain significance (1 of 4 stars; one submission).

Conditions:
Seizures, benign familial infantile, 3 (BFIS3). Also called: CONVULSIONS, BENIGN FAMILIAL INFANTILE, 3; Familial neonatal seizures. Identifiers: Orphanet 140927, Orphanet 306, MedGen C1843140, MONDO:0011904, OMIM 607745.
Developmental and epileptic encephalopathy, 11 (DEE11). Also called: Early infantile epileptic encephalopathy 11. Identifiers: Orphanet 1934, MedGen C3150987, MONDO:0013388, OMIM 613721.

Submission:

Labcorp Genetics (formerly Invitae), Labcorp
Classification: Uncertain significance for Seizures, benign familial infantile, 3; Developmental and epileptic encephalopathy, 11. Last evaluated: 2024-01-09. Review status: criteria provided, single submitter. Criteria: Invitae Variant Classification Sherloc (09022015). Collection method: clinical testing. Allele origin: germline.
Comment: This sequence change replaces alanine, which is neutral and non-polar, with aspartic acid, which is acidic and polar, at codon 434 of the SCN2A protein (p.Ala434Asp). This variant is not present in population databases (gnomAD no frequency). This missense change has been observed in individual(s) with SCN2A-related conditions (PMID: 29655203). Advanced modeling of protein sequence and biophysical properties (such as structural, functional, and spatial information, amino acid conservation, physicochemical variation, residue mobility, and thermodynamic stability) performed at Invitae indicates that this missense variant is expected to disrupt SCN2A protein function with a positive predictive value of 95%. In summary, the available evidence is currently insufficient to determine the role of this variant in disease. Therefore, it has been classified as a Variant of Uncertain Significance.

Literature cited by the submitters: PubMed 29655203.